The following is an entry in ClinVar:

ClinVar aggregate classification (germline): Pathogenic (0 of 4 stars; one submission).

Conditions:
Pseudohypoaldosteronism type 2A (PHA2A). Also called: GORDON HYPERKALEMIA-HYPERTENSION SYNDROME; HYPERTENSIVE HYPERKALEMIA, FAMILIAL. Identifiers: Orphanet 757, Orphanet 88938, MedGen C1840389, MONDO:0007772, OMIM 145260.

Submission:

Richard Lifton Laboratory, Yale University School of Medicine
Classification: Pathogenic for Pseudohypoaldosteronism, type 2. Review status: no assertion criteria provided. Collection method: not provided. Allele origin: germline.
Comment: recessive;BACK domain
ClinVar note: Converted during submission from pathogenic to Pathogenic.

NM_017415.3(KLHL3):c.721del (p.Leu241fs)

Gene: KLHL3 (kelch like family member 3; minus strand). Cytogenetic location: 5q31.2.
Variant type: Deletion.
Coding change: c.721del on transcript NM_017415.3 (MANE Select); coding-DNA position 721, one base deleted (C; older notation c.721delC).
Protein change: p.Leu241fs; shifts the reading frame from leucine 241.
Molecular consequence: frameshift variant.
Genome position (GRCh38, 1-based): chr5:137,661,947, G deleted on the plus strand (C on the coding strand, the reverse complement: KLHL3 is on the minus strand). VCF-style (leftmost placement, unchanged base first): chr5-137661946-AG-A. GRCh37 (hg19) VCF-style: chr5-136997635-AG-A.
Other names: c.625del, p.Leu209fs (NM_001257194.1); c.475del, p.Leu159fs (NM_001257195.2); short protein forms L241fs, L159fs, L209fs.
Identifiers: ClinVar variation 100528 (VCV000100528.3), dbSNP rs199469647, ClinGen allele CA269969.